The following is an entry in ClinVar:

ClinVar aggregate classification (germline): Uncertain significance (1 of 4 stars; one submission).

Submission:

GeneDx
Classification: Uncertain significance. Last evaluated: 2025-01-10. Review status: criteria provided, single submitter. Criteria: GeneDx Variant Classification Process June 2021. Collection method: clinical testing. Allele origin: germline. Affected: yes.
Comment: Not observed at significant frequency in large population cohorts (gnomAD); In silico analysis indicates that this missense variant does not alter protein structure/function; Has not been previously published as pathogenic or benign to our knowledge

NM_001378328.1(CELSR1):c.566G>A (p.Arg189His)

Gene: CELSR1 (cadherin EGF LAG seven-pass G-type receptor 1; minus strand). Cytogenetic location: 22q13.31.
Variant type: single nucleotide variant.
Coding change: c.566G>A on transcript NM_001378328.1 (MANE Select); coding-DNA position 566, G replaced by A.
Protein change: p.Arg189His; replaces arginine 189 with histidine.
Molecular consequence: missense variant.
Genome position (GRCh38, 1-based): chr22:46,536,605, C>T on the plus strand (G>A on the coding strand, the complement: CELSR1 is on the minus strand). VCF-style: chr22-46536605-C-T. GRCh37 (hg19) VCF-style: chr22-46932502-C-T.
Other names: c.566G>A, p.Arg189His (NM_014246.4); short protein forms R189H.
Identifiers: ClinVar variation 4057157 (VCV004057157.1).